The following is an entry in ClinVar:

ClinVar aggregate classification (germline): Likely benign (1 of 4 stars; one submission).

Allele frequency attached by ClinVar (database versions not stated): 1000 Genomes Project 30x 0.00344.

Submission:

CeGaT Center for Human Genetics Tuebingen
Classification: Likely benign. Last evaluated: 2022-12-01. Review status: criteria provided, single submitter. Criteria: CeGaT Center For Human Genetics Tuebingen Variant Classification Criteria Version 2. Collection method: clinical testing. Allele origin: germline. Affected: yes. Observed: 1 variant allele.
Comment: AHNAK: BP4, BP7

NM_001620.3(AHNAK):c.12867A>T (p.Pro4289=)

Gene: AHNAK (AHNAK nucleoprotein; minus strand). Cytogenetic location: 11q12.3.
Variant type: single nucleotide variant.
Coding change: c.12867A>T on transcript NM_001620.3 (MANE Select); coding-DNA position 12867, A replaced by T.
Protein change: p.Pro4289=; no amino-acid change (proline 4289 retained).
Molecular consequence: synonymous variant. On other transcripts: intron variant (1).
Genome position (GRCh38, 1-based): chr11:62,521,550, T>A on the plus strand (A>T on the coding strand, the complement: AHNAK is on the minus strand). VCF-style: chr11-62521550-T-A. GRCh37 (hg19) VCF-style: chr11-62289022-T-A.
Other names: c.12867A>T, p.Pro4289= (NM_001346445.2, NM_001346446.2); c.342+13453A>T (NM_024060.4).
Identifiers: ClinVar variation 2641863 (VCV002641863.24), dbSNP rs1321366614, ClinGen allele CA475119101.